The following is an entry in ClinVar:

NM_000548.5(TSC2):c.1740A>C (p.Ala580=)

Gene: TSC2 (TSC complex subunit 2; plus strand). Cytogenetic location: 16p13.3.
Variant type: single nucleotide variant.
Coding change: c.1740A>C on transcript NM_000548.5 (MANE Select); coding-DNA position 1740, A replaced by C.
Protein change: p.Ala580=; no amino-acid change (alanine 580 retained).
Molecular consequence: synonymous variant.
Genome position (GRCh38, 1-based): chr16:2,070,479, A>C. VCF-style: chr16-2070479-A-C. GRCh37 (hg19) VCF-style: chr16-2120480-A-C.
Other names: c.1740A>C, p.Ala580= (NM_001077183.3, NM_001114382.3, NM_001363528.2 and 3 more transcripts); c.1629A>C, p.Ala543= (NM_001318827.2); c.1593A>C, p.Ala531= (NM_001318829.2); c.1140A>C, p.Ala380= (NM_001318831.2); c.1773A>C, p.Ala591= (NM_001318832.2).
Identifiers: ClinVar variation 387283 (VCV000387283.8), dbSNP rs1057522755, ClinGen allele CA16606927.
Genomic context (GRCh38, chr16:2,070,479, plus strand): 5'-CTCCTGCGCCGTGGTGAGCTGCGTCCTCTCTCTGCAGACCAAGCTGTACACCCTGCCTGC[A>C]AGCCACGCCACGCGTGTGTATGAGATGCTGGTCAGCCACATTCAGCTCCACTACAAGCAC-3'
Protein context (NP_000539.2, residues 570-590): ILQTKLYTLP[Ala580=]SHATRVYEML

ClinVar aggregate classification (germline): Benign/Likely benign. Review status: criteria provided, multiple submitters, no conflicts (2 of 4 stars). 4 submissions from 4 submitters: Benign (1); Likely benign (3). Last evaluated 2024-03-30.

Conditions:
Tuberous sclerosis 2 (TSC2). Identifiers: Orphanet 805, MedGen C1860707, MONDO:0013199, OMIM 613254.
Hereditary cancer-predisposing syndrome. Also called: Neoplastic Syndromes, Hereditary; Hereditary neoplastic syndrome; Tumor predisposition; Hereditary Cancer Syndrome. Identifiers: Orphanet 140162, MedGen C0027672, MeSH D009386, MONDO:0015356.

Submissions (4):

Ambry Genetics
Classification: Likely benign for Hereditary cancer-predisposing syndrome. Last evaluated: 2024-03-30. Review status: criteria provided, single submitter. Criteria: Ambry Variant Classification Scheme 2023. Collection method: clinical testing. Allele origin: germline.

Genome-Nilou Lab
Classification: Benign for Tuberous sclerosis 2. Last evaluated: 2021-11-07. Review status: criteria provided, single submitter. Criteria: ACMG Guidelines, 2015. Collection method: clinical testing. Allele origin: germline. Affected: no.

Labcorp Genetics (formerly Invitae), Labcorp
Classification: Likely benign for Tuberous sclerosis 2. Last evaluated: 2020-03-06. Review status: criteria provided, single submitter. Criteria: Invitae Variant Classification Sherloc (09022015). Collection method: clinical testing. Allele origin: germline.

GeneDx
Classification: Likely benign. Last evaluated: 2016-07-01. Review status: criteria provided, single submitter. Criteria: GeneDx Variant Classification (06012015). Collection method: clinical testing. Allele origin: germline. Affected: yes.
Comment: This variant is considered likely benign or benign based on one or more of the following criteria: it is a conservative change, it occurs at a poorly conserved position in the protein, it is predicted to be benign by multiple in silico algorithms, and/or has population frequency not consistent with disease.